The following is an entry in ClinVar:

ClinVar aggregate classification (germline): Uncertain significance (1 of 4 stars; one submission).

Submission:

GeneDx
Classification: Uncertain significance. Last evaluated: 2026-03-12. Review status: criteria provided, single submitter. Criteria: GeneDx Variant Classification Process June 2021. Collection method: clinical testing. Allele origin: germline.
Comment: Not observed at significant frequency in large population cohorts (gnomAD); In silico analysis supports that this missense variant has a deleterious effect on protein structure/function; Has not been previously published as pathogenic or benign to our knowledge

NM_006545.5(NPRL2):c.284C>T (p.Thr95Ile)

Gene: NPRL2 (NPR2 like, GATOR1 complex subunit; minus strand). Cytogenetic location: 3p21.31.
Variant type: single nucleotide variant.
Coding change: c.284C>T on transcript NM_006545.5 (MANE Select); coding-DNA position 284, C replaced by T.
Protein change: p.Thr95Ile; replaces threonine 95 with isoleucine.
Molecular consequence: missense variant.
Genome position (GRCh38, 1-based): chr3:50,349,720, G>A on the plus strand (C>T on the coding strand, the complement: NPRL2 is on the minus strand). VCF-style: chr3-50349720-G-A. GRCh37 (hg19) VCF-style: chr3-50387151-G-A.
Other names: short protein forms T95I.
Identifiers: ClinVar variation 5008887 (VCV005008887.1).